The following is an entry in ClinVar:

ClinVar aggregate classification (germline): Uncertain significance (1 of 4 stars; one submission).

Conditions:
Muscular dystrophy-dystroglycanopathy (congenital with impaired intellectual development), type B, 2. Also called: MUSCULAR DYSTROPHY, CONGENITAL, POMT2-RELATED; Muscular dystrophy-dystroglycanopathy (congenital with intellectual disability), type B2. Identifiers: MedGen C3150416, MONDO:0013160, OMIM 613156.
Autosomal recessive limb-girdle muscular dystrophy type 2N. Also called: MUSCULAR DYSTROPHY-DYSTROGLYCANOPATHY, LIMB-GIRDLE, POMT2-RELATED; Muscular dystrophy-dystroglycanopathy (limb-girdle), type C, 2. Identifiers: Orphanet 206559, MedGen C3150418, MONDO:0013162, OMIM 613158.
Muscular dystrophy-dystroglycanopathy (congenital with brain and eye anomalies), type A2. Also called: MUSCULAR DYSTROPHY-DYSTROGLYCANOPATHY (CONGENITAL WITH BRAIN AND EYE ANOMALIES), TYPE A, 2; WALKER-WARBURG SYNDROME OR MUSCLE-EYE-BRAIN DISEASE, POMT2-RELATED. Identifiers: Orphanet 588, Orphanet 899, MedGen C3150411, MONDO:0013154, OMIM 613150.

gnomAD v4.1: 1 of 1,613,890 alleles (0.000062%); highest among the groups gnomAD compares: South Asian, 0.0011%; no homozygotes.

Submission:

Labcorp Genetics (formerly Invitae), Labcorp
Classification: Uncertain significance for Muscular dystrophy-dystroglycanopathy (congenital with impaired intellectual development), type B, 2; Muscular dystrophy-dystroglycanopathy (congenital with brain and eye anomalies), type A2; Autosomal recessive limb-girdle muscular dystrophy type 2N. Last evaluated: 2026-01-25. Review status: criteria provided, single submitter. Criteria: Invitae Variant Classification Sherloc (09022015). Collection method: clinical testing. Allele origin: germline.
Comment: This sequence change replaces glycine, which is neutral and non-polar, with glutamic acid, which is acidic and polar, at codon 581 of the POMT2 protein (p.Gly581Glu). This variant is not present in population databases (gnomAD no frequency). This variant has not been reported in the literature in individuals affected with POMT2-related conditions. Invitae Evidence Modeling of protein sequence and biophysical properties (such as structural, functional, and spatial information, amino acid conservation, physicochemical variation, residue mobility, and thermodynamic stability) has been performed for this missense variant. However, the output from this modeling did not meet the statistical confidence thresholds required to predict the impact of this variant on POMT2 protein function. In summary, the available evidence is currently insufficient to determine the role of this variant in disease. Therefore, it has been classified as a Variant of Uncertain Significance.

NM_013382.7(POMT2):c.1742G>A (p.Gly581Glu)

Gene: POMT2 (protein O-mannosyltransferase 2; minus strand). Cytogenetic location: 14q24.3.
Variant type: single nucleotide variant.
Coding change: c.1742G>A on transcript NM_013382.7 (MANE Select); coding-DNA position 1742, G replaced by A.
Protein change: p.Gly581Glu; replaces glycine 581 with glutamic acid.
Molecular consequence: missense variant.
Genome position (GRCh38, 1-based): chr14:77,280,064, C>T on the plus strand (G>A on the coding strand, the complement: POMT2 is on the minus strand). VCF-style: chr14-77280064-C-T. GRCh37 (hg19) VCF-style: chr14-77746407-C-T.
Other names: short protein forms G581E.
Identifiers: ClinVar variation 4788427 (VCV004788427.1).